The following is an entry in ClinVar:

ClinVar aggregate classification (germline): Conflicting classifications of pathogenicity. Review status: criteria provided, conflicting classifications (1 of 4 stars). 4 submissions from 4 submitters: Uncertain significance (1); Likely benign (3). Last evaluated 2025-11-18.

Conditions:
COL4A6-related disorder. Also called: COL4A6-related condition.

Allele frequency attached by ClinVar (database versions not stated): ESP Exome Variant Server 0.00019; TOPMed 0.00021; gnomAD 0.00026 and 0.00027; ExAC 0.00033; gnomAD exomes 0.00038 and 0.00059.
gnomAD v4.1: 667 of 1,208,629 alleles (0.055%); highest among the groups gnomAD compares: Non-Finnish European, 0.059%; no homozygotes.

Submissions (4):

Labcorp Genetics (formerly Invitae), Labcorp
Classification: Likely benign. Last evaluated: 2025-11-18. Review status: criteria provided, single submitter. Criteria: Invitae Variant Classification Sherloc (09022015). Collection method: clinical testing. Allele origin: germline.

PreventionGenetics, part of Exact Sciences
Classification: Likely benign for COL4A6-related condition. Last evaluated: 2025-11-06. Review status: criteria provided, single submitter. Criteria: ACMG Guidelines, 2015. Collection method: clinical testing. Allele origin: germline.
Comment: This variant is classified as likely benign based on ACMG/AMP sequence variant interpretation guidelines (Richards et al. 2015 PMID: 25741868, with internal and published modifications).

Blueprint Genetics
Classification: Likely benign. Last evaluated: 2024-10-11. Review status: criteria provided, single submitter. Criteria: ACMG Guidelines, 2015. Collection method: clinical testing. Allele origin: germline.

Ambry Genetics
Classification: Uncertain significance. Last evaluated: 2022-07-13. Review status: criteria provided, single submitter. Criteria: Ambry Variant Classification Scheme 2023. Collection method: clinical testing. Allele origin: germline.

NM_033641.4(COL4A6):c.3871G>A (p.Gly1291Arg)

Gene: COL4A6 (collagen type IV alpha 6 chain; minus strand). Cytogenetic location: Xq22.3.
Variant type: single nucleotide variant.
Coding change: c.3871G>A on transcript NM_033641.4 (MANE Select); coding-DNA position 3871, G replaced by A.
Protein change: p.Gly1291Arg; replaces glycine 1291 with arginine.
Molecular consequence: missense variant.
Genome position (GRCh38, 1-based): chrX:108,164,976, C>T on the plus strand (G>A on the coding strand, the complement: COL4A6 is on the minus strand). VCF-style: chrX-108164976-C-T. GRCh37 (hg19) VCF-style: chrX-107408206-C-T.
Other names: c.3874G>A (NM_001847.2, NM_001847.3); c.3922G>A, p.Gly1308Arg (NM_001287758.2); c.3799G>A, p.Gly1267Arg (NM_001287759.2, NM_001287760.2); c.3874G>A, p.Gly1292Arg (NM_001847.4); short protein forms G1267R, G1291R, G1292R, G1308R.
Identifiers: ClinVar variation 1628344 (VCV001628344.11), dbSNP rs201920507, ClinGen allele CA10487303.